The following is an entry in ClinVar:

NM_024675.4(PALB2):c.2834+12C>T

Gene: PALB2 (partner and localizer of BRCA2; minus strand). Cytogenetic location: 16p12.2.
Variant type: single nucleotide variant.
Coding change: c.2834+12C>T on transcript NM_024675.4 (MANE Select); 12 bases into the intron after coding-DNA position 2834, C replaced by T.
Molecular consequence: intron variant.
Genome position (GRCh38, 1-based): chr16:23,623,997, G>A on the plus strand (C>T on the coding strand, the complement: PALB2 is on the minus strand). VCF-style: chr16-23623997-G-A. GRCh37 (hg19) VCF-style: chr16-23635318-G-A.
Identifiers: ClinVar variation 126685 (VCV000126685.6), dbSNP rs515726096, ClinGen allele CA269575.
Genomic context (GRCh38, chr16:23,623,997, plus strand): 5'-TACCTGCACTTAAAACCAGCTGACAGAGACAAAGATGAAGGAAAAACAAATCACTCCTTG[G>A]GAATTACATACCTGATCTCTCTGATTTCCAAATTTCCCAAAGCTACACACACGAGATTAT-3'

ClinVar aggregate classification (germline): Likely benign. Review status: criteria provided, single submitter (1 of 4 stars). 2 submissions from 2 submitters: Likely benign (1). 1 of the submissions does not count toward it. Last evaluated 2025-06-15.

Conditions:
Familial cancer of breast. Also called: BREAST CANCER, FAMILIAL; hereditary breast carcinoma; Hereditary breast cancer. Identifiers: Orphanet 227535, MedGen C0346153, MONDO:0016419, OMIM 114480. Disease mechanism: loss of function.

Submissions (2):

Labcorp Genetics (formerly Invitae), Labcorp
Classification: Likely benign for Familial cancer of breast. Last evaluated: 2025-06-15. Review status: criteria provided, single submitter. Criteria: Invitae Variant Classification Sherloc (09022015). Collection method: clinical testing. Allele origin: germline.

Leiden Open Variation Database
Classification: Likely benign for Familial cancer of breast. Last evaluated: 2019-05-13. Review status: no assertion criteria provided. Collection method: curation. Allele origin: germline. Affected: yes. Not counted in ClinVar's aggregate classification.
Comment: Curators: Marc Tischkowitz, Arleen D. Auerbach. Submitter to LOVD: Marc Tischkowitz.

Literature cited by the submitters: PubMed 23448497 (cited by Leiden Open Variation Database).